The following is an entry in ClinVar:

NM_005188.4(CBL):c.2251+126G>A

Gene: CBL (Cbl proto-oncogene; plus strand). Cytogenetic location: 11q23.3.
Variant type: single nucleotide variant.
Coding change: c.2251+126G>A on transcript NM_005188.4 (MANE Select); 126 bases into the intron after coding-DNA position 2251, G replaced by A.
Molecular consequence: intron variant.
Genome position (GRCh38, 1-based): chr11:119,297,607, G>A. VCF-style: chr11-119297607-G-A. GRCh37 (hg19) VCF-style: chr11-119168317-G-A.
Identifiers: ClinVar variation 561629 (VCV000561629.2), dbSNP rs2186881, ClinGen allele CA13510834.

ClinVar aggregate classification (germline): Benign. Review status: criteria provided, multiple submitters, no conflicts (2 of 4 stars). 2 submissions from 2 submitters: Benign (2). Last evaluated 2018-06-14.

Allele frequency attached by ClinVar (database versions not stated): gnomAD exomes 0.00390; gnomAD 0.03139 and 0.03393; 1000 Genomes Project 0.03435; 1000 Genomes Project 30x 0.03482; TOPMed 0.03664.
gnomAD v4.1: 7,173 of 736,314 alleles (0.97%); highest among the groups gnomAD compares: African/African-American, 11%; 385 homozygotes.

Submissions (2):

GeneDx
Classification: Benign. Last evaluated: 2018-06-14. Review status: criteria provided, single submitter. Criteria: GeneDx Variant Classification (06012015). Collection method: clinical testing. Allele origin: germline. Affected: yes.
Comment: This variant is considered likely benign or benign based on one or more of the following criteria: it is a conservative change, it occurs at a poorly conserved position in the protein, it is predicted to be benign by multiple in silico algorithms, and/or has population frequency not consistent with disease.

Breakthrough Genomics
Classification: Benign. Review status: criteria provided, single submitter. Criteria: ACMG Guidelines, 2015. Collection method: not provided. Allele origin: germline. Inheritance: Autosomal dominant inheritance. Affected: yes.